The following is an entry in ClinVar:

NM_002485.5(NBN):c.37+3A>G

Gene: NBN (nibrin; minus strand). Cytogenetic location: 8q21.3.
Variant type: single nucleotide variant.
Coding change: c.37+3A>G on transcript NM_002485.5 (MANE Select); 3 bases into the intron after coding-DNA position 37, A replaced by G.
Molecular consequence: intron variant.
Genome position (GRCh38, 1-based): chr8:89,984,522, T>C on the plus strand (A>G on the coding strand, the complement: NBN is on the minus strand). VCF-style: chr8-89984522-T-C. GRCh37 (hg19) VCF-style: chr8-90996750-T-C.
Other names: c.-260+3A>G (NM_001024688.3).
Identifiers: ClinVar variation 384971 (VCV000384971.24), dbSNP rs764356392, ClinGen allele CA4803098.

ClinVar aggregate classification (germline): Conflicting classifications of pathogenicity. Review status: criteria provided, conflicting classifications (1 of 4 stars). 7 submissions from 7 submitters: Uncertain significance (4); Likely benign (2). 1 of the submissions does not count toward it. Last evaluated 2025-04-07.

Conditions:
Hereditary cancer-predisposing syndrome. Also called: Tumor predisposition; Neoplastic Syndromes, Hereditary; Hereditary neoplastic syndrome; Hereditary Cancer Syndrome. Identifiers: Orphanet 140162, MedGen C0027672, MeSH D009386, MONDO:0015356.
NBN-related disorder. Also called: NBN-related condition.
Microcephaly, normal intelligence and immunodeficiency (NBS). Also called: Nijmegen breakage syndrome; Microcephaly with normal intelligence immunodeficiency and lymphoreticular malignancies; Nonsyndromal microcephaly autosomal recessive with normal intelligence; Seemanova syndrome 2; IMMUNODEFICIENCY, MICROCEPHALY, AND CHROMOSOMAL INSTABILITY; BERLIN BREAKAGE SYNDROME. Identifiers: Orphanet 647, MedGen C0398791, MONDO:0009623, OMIM 251260.

Allele frequency attached by ClinVar (database versions not stated): ExAC 0.00001; gnomAD 0.00001; gnomAD exomes 0.00001; TOPMed 0.00001.
gnomAD v4.1: 15 of 1,612,650 alleles (0.00093%); highest among the groups gnomAD compares: South Asian, 0.011%; no homozygotes.

Submissions (7):

Labcorp Genetics (formerly Invitae), Labcorp
Classification: Likely benign for Microcephaly, normal intelligence and immunodeficiency. Last evaluated: 2025-04-07. Review status: criteria provided, single submitter. Criteria: Invitae Variant Classification Sherloc (09022015). Collection method: clinical testing. Allele origin: germline.

Ambry Genetics
Classification: Uncertain significance for Hereditary cancer-predisposing syndrome. Last evaluated: 2023-06-28. Review status: criteria provided, single submitter. Criteria: Ambry Variant Classification Scheme 2023. Collection method: clinical testing. Allele origin: germline.
Comment: The c.37+3A>G intronic variant results from an A to G substitution 3 nucleotides after coding exon 1 in the NBN gene. This nucleotide position is well conserved in available vertebrate species. In silico splice site analysis predicts that this alteration will not have any significant effect on splicing. Since supporting evidence is limited at this time, the clinical significance of this alteration remains unclear.

Blueprint Genetics
Classification: Uncertain significance. Last evaluated: 2023-05-16. Review status: criteria provided, single submitter. Criteria: ACMG Guidelines, 2015. Collection method: clinical testing. Allele origin: germline.

Genome-Nilou Lab
Classification: Uncertain significance for Microcephaly, normal intelligence and immunodeficiency. Last evaluated: 2021-11-07. Review status: criteria provided, single submitter. Criteria: ACMG Guidelines, 2015. Collection method: clinical testing. Allele origin: germline. Affected: no.

Department of Pathology and Laboratory Medicine, Sinai Health System
Classification: Uncertain significance for Microcephaly, normal intelligence and immunodeficiency. Last evaluated: 2020-02-06. Review status: criteria provided, single submitter. Criteria: ACMG Guidelines, 2015. Collection method: clinical testing. Allele origin: germline. Affected: yes.

GeneDx
Classification: Likely benign. Last evaluated: 2016-03-21. Review status: criteria provided, single submitter. Criteria: GeneDx Variant Classification (06012015). Collection method: clinical testing. Allele origin: germline. Affected: yes.
Comment: This variant is considered likely benign or benign based on one or more of the following criteria: it is a conservative change, it occurs at a poorly conserved position in the protein, it is predicted to be benign by multiple in silico algorithms, and/or has population frequency not consistent with disease.

PreventionGenetics, part of Exact Sciences
Classification: Likely benign for NBN-related condition. Last evaluated: 2021-09-27. Review status: no assertion criteria provided. Collection method: clinical testing. Allele origin: germline. Not counted in ClinVar's aggregate classification.
Comment: This variant is classified as likely benign based on ACMG/AMP sequence variant interpretation guidelines (Richards et al. 2015 PMID: 25741868, with internal and published modifications).